The following is an entry in ClinVar:

ClinVar aggregate classification (germline): Uncertain significance (1 of 4 stars; one submission).

Conditions:
Autosomal recessive limb-girdle muscular dystrophy type R18 (LGMDR18). Also called: MUSCULAR DYSTROPHY, LIMB-GIRDLE, AUTOSOMAL RECESSIVE 18; Limb-girdle muscular dystrophy, type 2S; Autosomal recessive limb-girdle muscular dystrophy type 2S. Identifiers: Orphanet 369840, MedGen C4517996, MONDO:0014144, OMIM 615356.

Allele frequency attached by ClinVar (database versions not stated): gnomAD 0.00001; gnomAD exomes 0.00001; TOPMed 0.00001.

Submission:

Labcorp Genetics (formerly Invitae), Labcorp
Classification: Uncertain significance for Autosomal recessive limb-girdle muscular dystrophy type R18. Last evaluated: 2022-04-18. Review status: criteria provided, single submitter. Criteria: Invitae Variant Classification Sherloc (09022015). Collection method: clinical testing. Allele origin: germline.
Comment: This sequence change affects codon 915 of the TRAPPC11 mRNA. It is a 'silent' change, meaning that it does not change the encoded amino acid sequence of the TRAPPC11 protein. This variant is not present in population databases (gnomAD no frequency). This variant has not been reported in the literature in individuals affected with TRAPPC11-related conditions. Algorithms developed to predict the effect of sequence changes on RNA splicing suggest that this variant may create or strengthen a splice site. In summary, the available evidence is currently insufficient to determine the role of this variant in disease. Therefore, it has been classified as a Variant of Uncertain Significance.

NM_021942.6(TRAPPC11):c.2745G>A (p.Thr915=)

Gene: TRAPPC11 (trafficking protein particle complex subunit 11; plus strand). Cytogenetic location: 4q35.1.
Variant type: single nucleotide variant.
Coding change: c.2745G>A on transcript NM_021942.6 (MANE Select); coding-DNA position 2745, G replaced by A.
Protein change: p.Thr915=; no amino-acid change (threonine 915 retained).
Molecular consequence: synonymous variant.
Genome position (GRCh38, 1-based): chr4:183,697,729, G>A. VCF-style: chr4-183697729-G-A. GRCh37 (hg19) VCF-style: chr4-184618882-G-A.
Other names: c.2745G>A, p.Thr915= (NM_199053.3).
Identifiers: ClinVar variation 2054758 (VCV002054758.2), dbSNP rs200191432, ClinGen allele CA111861546.
Genomic context (GRCh38, chr4:183,697,729, plus strand): 5'-TTTGTGACAGTTTGAGCACCTGGAAAGGGTTTATGCTGACATCCCCTTTCTGTTGATGAC[G>A]GACCTCTTAAGTGCCTCACCCTGGGCCCTCACTATTGTTTCCAGTGAGCTCCAGCTTGCT-3'
Protein context (NP_068761.4, residues 905-925): VYADIPFLLM[Thr915=]DLLSASPWAL